The following is an entry in ClinVar:

ClinVar aggregate classification (germline): Uncertain significance (1 of 4 stars; one submission).

Conditions:
Inborn genetic diseases. Identifiers: MedGen C0950123, MeSH D030342.

Submission:

Ambry Genetics
Classification: Uncertain significance for Inborn genetic diseases. Last evaluated: 2025-04-25. Review status: criteria provided, single submitter. Criteria: Ambry Variant Classification Scheme 2023. Collection method: clinical testing. Allele origin: germline.
Comment: The p.P112S variant (also known as c.334C>T), located in coding exon 4 of the FANCG gene, results from a C to T substitution at nucleotide position 334. The proline at codon 112 is replaced by serine, an amino acid with similar properties. This amino acid position is conserved. In addition, this alteration is predicted to be tolerated by in silico analysis. Based on the available evidence, the clinical significance of this variant remains unclear.

NM_004629.2(FANCG):c.334C>T (p.Pro112Ser)

Gene: FANCG (FA complementation group G; minus strand). Cytogenetic location: 9p13.3.
Variant type: single nucleotide variant.
Coding change: c.334C>T on transcript NM_004629.2 (MANE Select); coding-DNA position 334, C replaced by T.
Protein change: p.Pro112Ser; replaces proline 112 with serine.
Molecular consequence: missense variant.
Genome position (GRCh38, 1-based): chr9:35,078,317, G>A on the plus strand (C>T on the coding strand, the complement: FANCG is on the minus strand). VCF-style: chr9-35078317-G-A. GRCh37 (hg19) VCF-style: chr9-35078314-G-A.
Other names: short protein forms P112S.
Identifiers: ClinVar variation 4022500 (VCV004022500.1).
Genomic context (GRCh38, chr9:35,078,317, plus strand): 5'-GAAGGCAGGAAGCACGAAGGACAGAGTCCCACAGCTCCCTGAGCCCCTGTTCCAACCTGG[G>A]CCCCTGCTGCTCCTGTGTCTCCAGCACTGTAGAGTATACACACACACATAGACACACACA-3'
Protein context (NP_004620.1, residues 102-122): RVLETQEQQG[Pro112Ser]RLEQGLRELW